The following is an entry in ClinVar:

ClinVar aggregate classification (germline): Uncertain significance (1 of 4 stars; one submission).

Conditions:
Combined immunodeficiency due to ZAP70 deficiency (IMD48). Also called: Immunodeficiency 48; ZAP70 Deficiency. Identifiers: Orphanet 911, MedGen C2931299, MONDO:0010023, OMIM 269840.

Allele frequency attached by ClinVar (database versions not stated): TOPMed below 0.00001.

Submission:

Labcorp Genetics (formerly Invitae), Labcorp
Classification: Uncertain significance for Combined immunodeficiency due to ZAP70 deficiency. Last evaluated: 2018-03-07. Review status: criteria provided, single submitter. Criteria: Invitae Variant Classification Sherloc (09022015). Collection method: clinical testing. Allele origin: germline.
Comment: In summary, the available evidence is currently insufficient to determine the role of this variant in disease. Therefore, it has been classified as a Variant of Uncertain Significance. Algorithms developed to predict the effect of missense changes on protein structure and function do not agree on the potential impact of this missense change (SIFT: "Deleterious¬†"; PolyPhen-2: "Probably Damaging"; Align-GVGD: "Class C0"). This variant has not been reported in the literature in individuals with ZAP70-related disease. This variant is not present in population databases (ExAC no frequency). This sequence change replaces glutamic acid with lysine at codon 531 of the ZAP70 protein (p.Glu531Lys). The glutamic acid residue is highly conserved and there is a small physicochemical difference between glutamic acid and lysine.

NM_001079.4(ZAP70):c.1591G>A (p.Glu531Lys)

Gene: ZAP70 (zeta chain of T cell receptor associated protein kinase 70; plus strand). Cytogenetic location: 2q11.2.
Variant type: single nucleotide variant.
Coding change: c.1591G>A on transcript NM_001079.4 (MANE Select); coding-DNA position 1591, G replaced by A.
Protein change: p.Glu531Lys; replaces glutamic acid 531 with lysine.
Molecular consequence: missense variant.
Genome position (GRCh38, 1-based): chr2:97,737,865, G>A. VCF-style: chr2-97737865-G-A. GRCh37 (hg19) VCF-style: chr2-98354328-G-A.
Other names: c.1591G>A, p.Glu531Lys (NM_001378594.1); c.670G>A, p.Glu224Lys (NM_207519.2); short protein forms E531K, E224K.
Identifiers: ClinVar variation 567678 (VCV000567678.6), dbSNP rs1559329735, ClinGen allele CA347804498.
Genomic context (GRCh38, chr2:97,737,865, plus strand): 5'-ATCAACTTCCGCAAGTTCTCCAGCCGCAGCGATGTCTGGAGCTATGGGGTCACCATGTGG[G>A]AGGCCTTGTCCTACGGCCAGAAGCCCTACAAGGCAGGCGCGGGCAGAGGCAGGTGGGCGG-3'
Protein context (NP_001070.2, residues 521-541): DVWSYGVTMW[Glu531Lys]ALSYGQKPYK